The following is an entry in ClinVar:

NM_004863.4(SPTLC2):c.*4039T>C

Gene: SPTLC2 (serine palmitoyltransferase long chain base subunit 2; minus strand). Cytogenetic location: 14q24.3.
Variant type: single nucleotide variant.
Coding change: c.*4039T>C on transcript NM_004863.4 (MANE Select); 4039 bases downstream of the stop codon, T replaced by C.
Molecular consequence: 3 prime UTR variant.
Genome position (GRCh38, 1-based): chr14:77,508,245, A>G on the plus strand (T>C on the coding strand, the complement: SPTLC2 is on the minus strand). VCF-style: chr14-77508245-A-G. GRCh37 (hg19) VCF-style: chr14-77974588-A-G.
Identifiers: ClinVar variation 314596 (VCV000314596.5), dbSNP rs117131683, ClinGen allele CA10646352.

ClinVar aggregate classification (germline): Benign (1 of 4 stars; one submission).

Conditions:
Neuropathy, hereditary sensory and autonomic, type 1C. Also called: HSAN IC; HSN IC. Identifiers: Orphanet 36386, MedGen C3150896, MONDO:0013337, OMIM 613640.

Allele frequency attached by ClinVar (database versions not stated): 1000 Genomes Project 0.00519; 1000 Genomes Project 30x 0.00547; gnomAD 0.00649 and 0.00665; TOPMed 0.00655.

Submission:

Illumina Laboratory Services, Illumina
Classification: Benign for Neuropathy, hereditary sensory and autonomic, type 1C. Last evaluated: 2018-01-13. Review status: criteria provided, single submitter. Criteria: ICSL Variant Classification Criteria 13 December 2019. Collection method: clinical testing. Allele origin: germline.
Comment: This variant was observed in the ICSL laboratory as part of a predisposition screen in an ostensibly healthy population. It had not been previously curated by ICSL or reported in the Human Gene Mutation Database (HGMD: prior to June 1st, 2018), and was therefore a candidate for classification through an automated scoring system. Utilizing variant allele frequency, disease prevalence and penetrance estimates, and inheritance mode, an automated score was calculated to assess if this variant is too frequent to cause the disease. Based on the score and internal cut-off values, a variant classified as benign is not then subjected to further curation. The score for this variant resulted in a classification of benign for this disease.